The following is an entry in ClinVar:

NM_004974.4(KCNA2):c.880C>T (p.Arg294Cys)

Gene: KCNA2 (potassium voltage-gated channel subfamily A member 2; minus strand). Cytogenetic location: 1p13.3.
Variant type: single nucleotide variant.
Coding change: c.880C>T on transcript NM_004974.4 (MANE Select); coding-DNA position 880, C replaced by T.
Protein change: p.Arg294Cys; replaces arginine 294 with cysteine.
Molecular consequence: missense variant.
Genome position (GRCh38, 1-based): chr1:110,603,903, G>A on the plus strand (C>T on the coding strand, the complement: KCNA2 is on the minus strand). VCF-style: chr1-110603903-G-A. GRCh37 (hg19) VCF-style: chr1-111146525-G-A.
Other names: c.880C>T, p.Arg294Cys (NM_001204269.2); short protein forms R294C.
Identifiers: ClinVar variation 2830925 (VCV002830925.3), dbSNP rs941480281, ClinGen allele CA28808861.
Genomic context (GRCh38, chr1:110,603,903, plus strand): 5'-GACCTTTGGAGTGTCTGGACAACTTGAAAATCCTAAAGACTCTTACCAACCGGATGACAC[G>A]GAGGATGGCCAGTGACATGGCCTGCTGGCCTTGCTGAGCGTCCTCTGGCTTCTCAGCCAA-3'
Protein context (NP_004965.1, residues 284-304): GQQAMSLAIL[Arg294Cys]VIRLVRVFRI

ClinVar aggregate classification (germline): Uncertain significance (1 of 4 stars; one submission).

Conditions:
Developmental and epileptic encephalopathy, 32 (DEE32). Also called: Epileptic encephalopathy, early infantile, 32. Identifiers: Orphanet 442835, MedGen C4225350, MONDO:0014607, OMIM 616366.

Allele frequency attached by ClinVar (database versions not stated): gnomAD exomes below 0.00001; TOPMed below 0.00001.
gnomAD v4.1: 1 of 1,614,200 alleles (0.000062%); highest among the groups gnomAD compares: East Asian, 0.0022%; no homozygotes.

Submission:

Labcorp Genetics (formerly Invitae), Labcorp
Classification: Uncertain significance for Developmental and epileptic encephalopathy, 32. Last evaluated: 2023-05-08. Review status: criteria provided, single submitter. Criteria: Invitae Variant Classification Sherloc (09022015). Collection method: clinical testing. Allele origin: germline.
Comment: In summary, the available evidence is currently insufficient to determine the role of this variant in disease. Therefore, it has been classified as a Variant of Uncertain Significance. This variant disrupts the p.Arg294 amino acid residue in KCNA2. Other variant(s) that disrupt this residue have been determined to be pathogenic (PMID: 27543892, 28032718, 33802230). This suggests that this residue is clinically significant, and that variants that disrupt this residue are likely to be disease-causing. Experimental studies have shown that this missense change affects KCNA2 function (PMID: 20584892). Advanced modeling of protein sequence and biophysical properties (such as structural, functional, and spatial information, amino acid conservation, physicochemical variation, residue mobility, and thermodynamic stability) performed at Invitae indicates that this missense variant is expected to disrupt KCNA2 protein function. This variant has not been reported in the literature in individuals affected with KCNA2-related conditions. This variant is not present in population databases (gnomAD no frequency). This sequence change replaces arginine, which is basic and polar, with cysteine, which is neutral and slightly polar, at codon 294 of the KCNA2 protein (p.Arg294Cys).

Literature cited by the submitters: PubMed 27543892; PubMed 28032718; PubMed 33802230; PubMed 20584892.